The following is an entry in ClinVar:

NM_078480.3(PUF60):c.919A>G (p.Met307Val)

Gene: PUF60 (poly(U) binding splicing factor 60; minus strand). Cytogenetic location: 8q24.3.
Variant type: single nucleotide variant.
Coding change: c.919A>G on transcript NM_078480.3 (MANE Select); coding-DNA position 919, A replaced by G.
Protein change: p.Met307Val; replaces methionine 307 with valine.
Molecular consequence: missense variant.
Genome position (GRCh38, 1-based): chr8:143,817,681, T>C on the plus strand (A>G on the coding strand, the complement: PUF60 is on the minus strand). VCF-style: chr8-143817681-T-C. GRCh37 (hg19) VCF-style: chr8-144899851-T-C.
Other names: c.832A>G, p.Met278Val (NM_001271099.2); c.739A>G, p.Met247Val (NM_001271100.2); c.1030A>G, p.Met344Val (NM_001362895.2, NM_001362896.2); c.979A>G, p.Met327Val (NM_001362897.2); c.868A>G, p.Met290Val (NM_014281.5); c.790A>G, p.Met264Val (NM_001136033.3); c.865A>G, p.Met289Val (NM_001271096.2); c.781A>G, p.Met261Val (NM_001271097.2); and 1 more; short protein forms M307V, M278V, M289V, M327V, M264V, M290V, M344V, M247V.
Identifiers: ClinVar variation 4998728 (VCV004998728.1).
Genomic context (GRCh38, chr8:143,817,681, plus strand): 5'-CAGCTGCCACAGCAGCGGCAGGTGGGAGGCCTCCAGGCGTGGCTGGTGTGAGTAGGGGCA[T>C]GGGCGGTGTGACAGCCTTGCCCACCCGCAAGTACTGGCCACCCAGGTCAAAGAGGTTCAT-3'
Protein context (NP_510965.1, residues 297-317): LRVGKAVTPP[Met307Val]PLLTPATPGG

ClinVar aggregate classification (germline): Uncertain significance (1 of 4 stars; one submission).

Conditions:
PUF60-related disorder. Also called: PUF60-related condition.

gnomAD v4.1: 1 of 1,612,622 alleles (0.000062%); highest among the groups gnomAD compares: Non-Finnish European, 0.000085%; no homozygotes.

Submission:

PreventionGenetics, part of Exact Sciences
Classification: Uncertain significance for PUF60-related condition. Last evaluated: 2025-07-30. Review status: criteria provided, single submitter. Criteria: ACMG Guidelines, 2015. Collection method: clinical testing. Allele origin: germline.
Comment: The PUF60 c.919A>G variant is predicted to result in the amino acid substitution p.Met307Val. To our knowledge, this variant has not been reported in the literature or in a large population database (gnomAD), indicating this variant is rare. At this time, the clinical significance of this variant is uncertain due to the absence of conclusive functional and genetic evidence.